The following is an entry in ClinVar:

NM_001035.3(RYR2):c.13283A>G (p.Glu4428Gly)

Gene: RYR2 (ryanodine receptor 2; plus strand). Cytogenetic location: 1q43.
Variant type: single nucleotide variant.
Coding change: c.13283A>G on transcript NM_001035.3 (MANE Select); coding-DNA position 13283, A replaced by G.
Protein change: p.Glu4428Gly; replaces glutamic acid 4428 with glycine.
Molecular consequence: missense variant.
Genome position (GRCh38, 1-based): chr1:237,785,991, A>G. VCF-style: chr1-237785991-A-G. GRCh37 (hg19) VCF-style: chr1-237949291-A-G.
Other names: c.13283A>G, p.Glu4428Gly (LRG_402t1); short protein forms E4428G.
Identifiers: ClinVar variation 570526 (VCV000570526.12), dbSNP rs1254605642, ClinGen allele CA345415844.

ClinVar aggregate classification (germline): Uncertain significance. Review status: criteria provided, multiple submitters, no conflicts (2 of 4 stars). 3 submissions from 3 submitters: Uncertain significance (3). Last evaluated 2024-06-11.

Conditions:
Cardiovascular phenotype. Identifiers: MedGen CN230736.
Catecholaminergic polymorphic ventricular tachycardia 1. Also called: RYR2-Related Catecholaminergic Polymorphic Ventricular Tachycardia; VENTRICULAR TACHYCARDIA, CATECHOLAMINERGIC POLYMORPHIC, 1, WITH OR WITHOUT ATRIAL DYSFUNCTION AND/OR DILATED CARDIOMYOPATHY; VENTRICULAR TACHYCARDIA, STRESS-INDUCED POLYMORPHIC 1. Identifiers: Orphanet 3286, MedGen C1631597, MONDO:0011484, OMIM 604772.
Catecholaminergic polymorphic ventricular tachycardia (CVPT). Also called: Catecholamine-induced polymorphic ventricular tachycardia. Identifiers: Orphanet 3286, MedGen C5574922, MONDO:0017990.

Allele frequency attached by ClinVar (database versions not stated): gnomAD exomes below 0.00001 and 0.00001.
gnomAD v4.1: 2 of 1,591,606 alleles (0.00013%); highest among the groups gnomAD compares: Admixed American, 0.0035%; no homozygotes.

Submissions (3):

All of Us Research Program, National Institutes of Health
Classification: Uncertain significance for Catecholaminergic polymorphic ventricular tachycardia. Last evaluated: 2024-06-11. Review status: criteria provided, single submitter. Criteria: ACMG Guidelines, 2015. Collection method: clinical testing. Allele origin: germline. Inheritance: Autosomal dominant inheritance. Observed: 2 variant alleles, 2 heterozygotes.
Comment: This missense variant replaces glutamic acid with glycine at codon 4428 of the RYR2 protein. Computational prediction suggests that this variant may not impact protein structure and function (internally defined REVEL score threshold <= 0.5, PMID: 27666373). To our knowledge, functional studies have not been reported for this variant. This variant has not been reported in individuals affected with RYR2-related disorders in the literature. This variant has been identified in 2/212618 chromosomes in the general population by the Genome Aggregation Database (gnomAD). The available evidence is insufficient to determine the role of this variant in disease conclusively. Therefore, this variant is classified as a Variant of Uncertain Significance.

This study involves interpretation of variants in research participants for the purpose of population health screening. Participant phenotype was not available at the time of variant classification. Additional details can be found in publication PMID: 35346344, PMCID: PMC8962531

Ambry Genetics
Classification: Uncertain significance for Cardiovascular phenotype. Last evaluated: 2024-04-03. Review status: criteria provided, single submitter. Criteria: Ambry Variant Classification Scheme 2023. Collection method: clinical testing. Allele origin: germline.
Comment: The p.E4428G variant (also known as c.13283A>G), located in coding exon 91 of the RYR2 gene, results from an A to G substitution at nucleotide position 13283. The glutamic acid at codon 4428 is replaced by glycine, an amino acid with similar properties. This amino acid position is well conserved in available vertebrate species. In addition, this alteration is predicted to be tolerated by in silico analysis. Based on the available evidence, the clinical significance of this variant remains unclear.

Labcorp Genetics (formerly Invitae), Labcorp
Classification: Uncertain significance for Catecholaminergic polymorphic ventricular tachycardia 1. Last evaluated: 2021-08-31. Review status: criteria provided, single submitter. Criteria: Invitae Variant Classification Sherloc (09022015). Collection method: clinical testing. Allele origin: germline.
Comment: This sequence change replaces glutamic acid with glycine at codon 4428 of the RYR2 protein (p.Glu4428Gly). The glutamic acid residue is highly conserved and there is a moderate physicochemical difference between glutamic acid and glycine. This variant is not present in population databases (ExAC no frequency). This variant has not been reported in the literature in individuals affected with RYR2-related conditions. Algorithms developed to predict the effect of missense changes on protein structure and function output the following: SIFT: "Deleterious"; PolyPhen-2: "Benign"; Align-GVGD: "Class C15". The glycine amino acid residue is found in multiple mammalian species, which suggests that this missense change does not adversely affect protein function. In summary, the available evidence is currently insufficient to determine the role of this variant in disease. Therefore, it has been classified as a Variant of Uncertain Significance.